The following is an entry in ClinVar:

NM_001201427.2(DAAM2):c.2607T>C (p.Ala869=)

Genes: DAAM2 (dishevelled associated activator of morphogenesis 2; plus strand), DAAM2-AS1 (DAAM2 antisense RNA 1; minus strand). Cytogenetic location: 6p21.2.
Variant type: single nucleotide variant.
Coding change: c.2607T>C on transcript NM_001201427.2 (MANE Select); coding-DNA position 2607, T replaced by C.
Protein change: p.Ala869=; no amino-acid change (alanine 869 retained).
Molecular consequence: synonymous variant. On other transcripts: non-coding transcript variant (1).
Genome position (GRCh38, 1-based): chr6:39,897,271, T>C. VCF-style: chr6-39897271-T-C. GRCh37 (hg19) VCF-style: chr6-39865047-T-C.
Other names: c.2607T>C, p.Ala869= (NM_015345.4).
Identifiers: ClinVar variation 3059909 (VCV003059909.2), dbSNP rs3004067, ClinGen allele CA3795336.
Genomic context (GRCh38, chr6:39,897,271, plus strand): 5'-GGAGAAGCATTTTCCTGATATTCTAAACATGCCTTCAGAGCTGCAACATCTTCCAGAAGC[T>C]GCCAAAGTCAAGTGAGGGTTCTCTCCAAGACTTCCTTCTCCCCATGATGACCCTCATTCT-3'
Protein context (NP_001188356.1, residues 859-879): MPSELQHLPE[Ala869=]AKVNLAELEK

ClinVar aggregate classification (germline): Benign (0 of 4 stars; one submission).

Conditions:
DAAM2-related disorder. Also called: DAAM2-related condition.

Allele frequency attached by ClinVar (database versions not stated): gnomAD exomes 0.62672; ESP Exome Variant Server 0.66540; ExAC 0.67249; gnomAD 0.67814; TOPMed 0.68377; 1000 Genomes Project 30x 0.75593; 1000 Genomes Project 0.75659.
gnomAD v4.1: 1,014,458 of 1,602,868 alleles (63%); highest among the groups gnomAD compares: East Asian, 85%; 325,204 homozygotes.

Submission:

PreventionGenetics, part of Exact Sciences
Classification: Benign for DAAM2-related condition. Last evaluated: 2019-10-17. Review status: no assertion criteria provided. Collection method: clinical testing. Allele origin: germline.
Comment: This variant is classified as benign based on ACMG/AMP sequence variant interpretation guidelines (Richards et al. 2015 PMID: 25741868, with internal and published modifications).